The following is an entry in ClinVar:

NM_001128178.3(NPHP1):c.48C>T (p.Arg16=)

Gene: NPHP1 (nephrocystin 1; minus strand). Cytogenetic location: 2q13.
Variant type: single nucleotide variant.
Coding change: c.48C>T on transcript NM_001128178.3 (MANE Select); coding-DNA position 48, C replaced by T.
Protein change: p.Arg16=; no amino-acid change (arginine 16 retained).
Molecular consequence: synonymous variant.
Genome position (GRCh38, 1-based): chr2:110,204,921, G>A on the plus strand (C>T on the coding strand, the complement: NPHP1 is on the minus strand). VCF-style: chr2-110204921-G-A. GRCh37 (hg19) VCF-style: chr2-110962498-G-A.
Other names: c.48C>T, p.Arg16= (NM_000272.5, NM_001128179.3, NM_001374256.1 and 2 more transcripts).
Identifiers: ClinVar variation 4999613 (VCV004999613.1).

ClinVar aggregate classification (germline): Likely benign (1 of 4 stars; one submission).

Conditions:
NPHP1-related disorder. Also called: NPHP1-related condition; NPHP1-related disorders.

Submission:

PreventionGenetics, part of Exact Sciences
Classification: Likely benign for NPHP1-related condition. Last evaluated: 2025-01-10. Review status: criteria provided, single submitter. Criteria: ACMG Guidelines, 2015. Collection method: clinical testing. Allele origin: germline.
Comment: This variant is classified as likely benign based on ACMG/AMP sequence variant interpretation guidelines (Richards et al. 2015 PMID: 25741868, with internal and published modifications).